The following is an entry in ClinVar:

ClinVar aggregate classification (germline): Uncertain significance (1 of 4 stars; one submission).

Conditions:
Neurodevelopmental disorder. Identifiers: MedGen C1535926, MeSH D065886, MONDO:0700092.

Submission:

Dasa
Classification: Uncertain significance for neurodevelopmental disorder. Last evaluated: 2026-02-11. Review status: criteria provided, single submitter. Criteria: DASA Assertion Criteria. Collection method: clinical testing. Allele origin: germline.
Comment: NM_001282874.2(SMARCA1):c.767C>T (p.Pro256Leu) is a missense variant that results in the substitution of proline with leucine. This variant is rare in population databases. Computational prediction algorithms are consistent with a deleterious effect. The currently available literature and clinical evidence are not sufficient to establish a definitive association between this variant and the reported condition. Therefore, this variant is classified as a variant of uncertain significance.

NM_001282874.2(SMARCA1):c.767C>T (p.Pro256Leu)

Gene: SMARCA1 (SNF2 related chromatin remodeling ATPase 1; minus strand). Cytogenetic location: Xq26.1.
Variant type: single nucleotide variant.
Coding change: c.767C>T on transcript NM_001282874.2 (MANE Select); coding-DNA position 767, C replaced by T.
Protein change: p.Pro256Leu; replaces proline 256 with leucine.
Molecular consequence: missense variant.
Genome position (GRCh38, 1-based): chrX:129,511,847, G>A on the plus strand (C>T on the coding strand, the complement: SMARCA1 is on the minus strand). VCF-style: chrX-129511847-G-A. GRCh37 (hg19) VCF-style: chrX-128645824-G-A.
Other names: c.767C>T, p.Pro256Leu (NM_001282875.2, NM_001378261.1, NM_001378262.1 and 3 more transcripts); short protein forms P256L.
Identifiers: ClinVar variation 4882306 (VCV004882306.2).